The following is an entry in ClinVar:

NM_001134831.2(AHI1):c.2203A>G (p.Ile735Val)

Gene: AHI1 (Abelson helper integration site 1; minus strand). Cytogenetic location: 6q23.3.
Variant type: single nucleotide variant.
Coding change: c.2203A>G on transcript NM_001134831.2 (MANE Select); coding-DNA position 2203, A replaced by G.
Protein change: p.Ile735Val; replaces isoleucine 735 with valine.
Molecular consequence: missense variant.
Genome position (GRCh38, 1-based): chr6:135,433,090, T>C on the plus strand (A>G on the coding strand, the complement: AHI1 is on the minus strand). VCF-style: chr6-135433090-T-C. GRCh37 (hg19) VCF-style: chr6-135754228-T-C.
Other names: c.2203A>G, p.Ile735Val (NM_001134830.2, NM_001134832.2, NM_001350503.2 and 2 more transcripts); short protein forms I735V.
Identifiers: ClinVar variation 1039312 (VCV001039312.9), dbSNP rs375643798, ClinGen allele CA4012425.

ClinVar aggregate classification (germline): Uncertain significance. Review status: criteria provided, multiple submitters, no conflicts (2 of 4 stars). 3 submissions from 3 submitters: Uncertain significance (3). Last evaluated 2025-12-29.

Conditions:
Inborn genetic diseases. Identifiers: MedGen C0950123, MeSH D030342.
Joubert syndrome 3 (JBTS3). Also called: AHI1-related Ciliopathy. Identifiers: Orphanet 220493, MedGen C1837713, MONDO:0012078, OMIM 608629.
Joubert syndrome. Also called: Familial aplasia of the vermis; CEREBELLOPARENCHYMAL DISORDER IV; JOUBERT-BOLTSHAUSER SYNDROME. Identifiers: Orphanet 475, MedGen C5979921, MONDO:0018772.

Allele frequency attached by ClinVar (database versions not stated): gnomAD exomes 0.00002; ExAC 0.00003; gnomAD 0.00011 and 0.00012; TOPMed 0.00015; ESP Exome Variant Server 0.00017.
gnomAD v4.1: 50 of 1,613,646 alleles (0.0031%); highest among the groups gnomAD compares: African/African-American, 0.059%; no homozygotes.

Submissions (3):

Labcorp Genetics (formerly Invitae), Labcorp
Classification: Uncertain significance for Joubert syndrome. Last evaluated: 2025-12-29. Review status: criteria provided, single submitter. Criteria: Invitae Variant Classification Sherloc (09022015). Collection method: clinical testing. Allele origin: germline.
Comment: This sequence change replaces isoleucine, which is neutral and non-polar, with valine, which is neutral and non-polar, at codon 735 of the AHI1 protein (p.Ile735Val). This variant is present in population databases (rs375643798, gnomAD 0.02%). This variant has not been reported in the literature in individuals affected with AHI1-related conditions. ClinVar contains an entry for this variant (Variation ID: 1039312). Invitae Evidence Modeling of protein sequence and biophysical properties (such as structural, functional, and spatial information, amino acid conservation, physicochemical variation, residue mobility, and thermodynamic stability) indicates that this missense variant is not expected to disrupt AHI1 protein function with a negative predictive value of 95%. In summary, the available evidence is currently insufficient to determine the role of this variant in disease. Therefore, it has been classified as a Variant of Uncertain Significance.

Ambry Genetics
Classification: Uncertain significance for Inborn genetic diseases. Last evaluated: 2025-05-05. Review status: criteria provided, single submitter. Criteria: Ambry Variant Classification Scheme 2023. Collection method: clinical testing. Allele origin: germline.

Fulgent Genetics
Classification: Uncertain significance for Joubert syndrome 3. Last evaluated: 2024-01-10. Review status: criteria provided, single submitter. Criteria: ACMG Guidelines, 2015. Collection method: clinical testing. Allele origin: germline.